The following is an entry in ClinVar:

NM_004415.4(DSP):c.5717T>G (p.Ile1906Ser)

Gene: DSP (desmoplakin; plus strand). Cytogenetic location: 6p24.3.
Variant type: single nucleotide variant.
Coding change: c.5717T>G on transcript NM_004415.4 (MANE Select); coding-DNA position 5717, T replaced by G.
Protein change: p.Ile1906Ser; replaces isoleucine 1906 with serine.
Molecular consequence: missense variant.
Genome position (GRCh38, 1-based): chr6:7,582,979, T>G. VCF-style: chr6-7582979-T-G. GRCh37 (hg19) VCF-style: chr6-7583212-T-G.
Other names: c.3920T>G, p.Ile1307Ser (NM_001008844.3); c.4388T>G, p.Ile1463Ser (NM_001319034.2); short protein forms I1307S, I1463S, I1906S.
Identifiers: ClinVar variation 3224241 (VCV003224241.1), dbSNP rs1187643735, ClinGen allele CA362689260.

ClinVar aggregate classification (germline): Uncertain significance (1 of 4 stars; one submission).

Conditions:
Cardiovascular phenotype. Identifiers: MedGen CN230736.

Submission:

Ambry Genetics
Classification: Uncertain significance for Cardiovascular phenotype. Last evaluated: 2023-11-23. Review status: criteria provided, single submitter. Criteria: Ambry Variant Classification Scheme 2023. Collection method: clinical testing. Allele origin: germline.
Comment: The p.I1906S variant (also known as c.5717T>G), located in coding exon 24 of the DSP gene, results from a T to G substitution at nucleotide position 5717. The isoleucine at codon 1906 is replaced by serine, an amino acid with dissimilar properties. This amino acid position is conserved. In addition, this alteration is predicted to be deleterious by in silico analysis. Since supporting evidence is limited at this time, the clinical significance of this alteration remains unclear.